The following is an entry in ClinVar:

ClinVar aggregate classification (germline): Uncertain significance. Review status: criteria provided, multiple submitters, no conflicts (2 of 4 stars). 2 submissions from 2 submitters: Uncertain significance (2). Last evaluated 2024-10-19.

Allele frequency attached by ClinVar (database versions not stated): ExAC 0.00001; gnomAD 0.00002; TOPMed 0.00002; 1000 Genomes Project 0.00020; 1000 Genomes Project 30x 0.00031.

Submissions (2):

Ambry Genetics
Classification: Uncertain significance. Last evaluated: 2024-10-19. Review status: criteria provided, single submitter. Criteria: Ambry Variant Classification Scheme 2023. Collection method: clinical testing. Allele origin: germline.

Labcorp Genetics (formerly Invitae), Labcorp
Classification: Uncertain significance. Last evaluated: 2023-11-27. Review status: criteria provided, single submitter. Criteria: Invitae Variant Classification Sherloc (09022015). Collection method: clinical testing. Allele origin: germline.
Comment: This sequence change replaces aspartic acid, which is acidic and polar, with asparagine, which is neutral and polar, at codon 280 of the DHX38 protein (p.Asp280Asn). This variant is present in population databases (rs191078136, gnomAD 0.006%). This variant has not been reported in the literature in individuals affected with DHX38-related conditions. ClinVar contains an entry for this variant (Variation ID: 1934566). Advanced modeling of protein sequence and biophysical properties (such as structural, functional, and spatial information, amino acid conservation, physicochemical variation, residue mobility, and thermodynamic stability) performed at Invitae indicates that this missense variant is not expected to disrupt DHX38 protein function with a negative predictive value of 80%. In summary, the available evidence is currently insufficient to determine the role of this variant in disease. Therefore, it has been classified as a Variant of Uncertain Significance.

NM_014003.4(DHX38):c.838G>A (p.Asp280Asn)

Gene: DHX38 (DEAH-box helicase 38; plus strand). Cytogenetic location: 16q22.2.
Variant type: single nucleotide variant.
Coding change: c.838G>A on transcript NM_014003.4 (MANE Select); coding-DNA position 838, G replaced by A.
Protein change: p.Asp280Asn; replaces aspartic acid 280 with asparagine.
Molecular consequence: missense variant.
Genome position (GRCh38, 1-based): chr16:72,099,000, G>A. VCF-style: chr16-72099000-G-A. GRCh37 (hg19) VCF-style: chr16-72132899-G-A.
Other names: c.838G>A (NM_014003.3); short protein forms D280N.
Identifiers: ClinVar variation 1934566 (VCV001934566.4), dbSNP rs191078136, ClinGen allele CA8160095.